The following is an entry in ClinVar:

ClinVar aggregate classification (germline): Uncertain significance (1 of 4 stars; one submission).

Allele frequency attached by ClinVar (database versions not stated): TOPMed 0.00001.

Submission:

Labcorp Genetics (formerly Invitae), Labcorp
Classification: Uncertain significance. Last evaluated: 2022-08-16. Review status: criteria provided, single submitter. Criteria: Invitae Variant Classification Sherloc (09022015). Collection method: clinical testing. Allele origin: germline.
Comment: This sequence change replaces glycine, which is neutral and non-polar, with arginine, which is basic and polar, at codon 109 of the ASNS protein (p.Gly109Arg). This variant is not present in population databases (gnomAD no frequency). This variant has not been reported in the literature in individuals affected with ASNS-related conditions. Advanced modeling of protein sequence and biophysical properties (such as structural, functional, and spatial information, amino acid conservation, physicochemical variation, residue mobility, and thermodynamic stability) performed at Invitae indicates that this missense variant is expected to disrupt ASNS protein function. In summary, the available evidence is currently insufficient to determine the role of this variant in disease. Therefore, it has been classified as a Variant of Uncertain Significance.

NM_001673.5(ASNS):c.325G>A (p.Gly109Arg)

Genes: ASNS (asparagine synthetase (glutamine-hydrolyzing); minus strand), CZ1P-ASNS (CZ1P-ASNS readthrough; minus strand). Cytogenetic location: 7q21.3.
Variant type: single nucleotide variant.
Coding change: c.325G>A on transcript NM_001673.5 (MANE Select); coding-DNA position 325, G replaced by A.
Protein change: p.Gly109Arg; replaces glycine 109 with arginine.
Molecular consequence: missense variant. On other transcripts: non-coding transcript variant (1).
Genome position (GRCh38, 1-based): chr7:97,864,421, C>T on the plus strand (G>A on the coding strand, the complement: ASNS is on the minus strand). VCF-style: chr7-97864421-C-T. GRCh37 (hg19) VCF-style: chr7-97493733-C-T.
Other names: c.262G>A, p.Gly88Arg (NM_001178075.2); c.76G>A, p.Gly26Arg (NM_001178076.2, NM_001178077.1); c.325G>A, p.Gly109Arg (NM_001352496.2, NM_133436.3, NM_183356.4); short protein forms G26R, G109R, G88R.
Identifiers: ClinVar variation 2184514 (VCV002184514.1), dbSNP rs1328576157, ClinGen allele CA368271699.